The following is an entry in ClinVar:

NM_004655.4(AXIN2):c.464C>T (p.Thr155Ile)

Gene: AXIN2 (axin 2; minus strand). Cytogenetic location: 17q24.1.
Variant type: single nucleotide variant.
Coding change: c.464C>T on transcript NM_004655.4 (MANE Select); coding-DNA position 464, C replaced by T.
Protein change: p.Thr155Ile; replaces threonine 155 with isoleucine.
Molecular consequence: missense variant.
Genome position (GRCh38, 1-based): chr17:65,558,157, G>A on the plus strand (C>T on the coding strand, the complement: AXIN2 is on the minus strand). VCF-style: chr17-65558157-G-A. GRCh37 (hg19) VCF-style: chr17-63554275-G-A.
Other names: c.464C>T, p.Thr155Ile (NM_001363813.1); c.464C>T (NM_004655.3); short protein forms T155I.
Identifiers: ClinVar variation 1414378 (VCV001414378.7), dbSNP rs2044300655, ClinGen allele CA400681297.

ClinVar aggregate classification (germline): Uncertain significance. Review status: criteria provided, multiple submitters, no conflicts (2 of 4 stars). 2 submissions from 2 submitters: Uncertain significance (2). Last evaluated 2025-12-23.

Conditions:
Oligodontia-cancer predisposition syndrome. Also called: TOOTH AGENESIS-COLORECTAL CANCER SYNDROME. Identifiers: Orphanet 300576, MedGen C1837750, MONDO:0012075, OMIM 608615. Disease mechanism: loss of function.
Hereditary cancer-predisposing syndrome. Also called: Hereditary Cancer Syndrome; Tumor predisposition; Hereditary neoplastic syndrome; Neoplastic Syndromes, Hereditary. Identifiers: Orphanet 140162, MedGen C0027672, MeSH D009386, MONDO:0015356.

Submissions (2):

Labcorp Genetics (formerly Invitae), Labcorp
Classification: Uncertain significance for Oligodontia-cancer predisposition syndrome. Last evaluated: 2025-12-23. Review status: criteria provided, single submitter. Criteria: Invitae Variant Classification Sherloc (09022015). Collection method: clinical testing. Allele origin: germline.
Comment: This sequence change replaces threonine, which is neutral and polar, with isoleucine, which is neutral and non-polar, at codon 155 of the AXIN2 protein (p.Thr155Ile). This variant is not present in population databases (gnomAD no frequency). This variant has not been reported in the literature in individuals affected with AXIN2-related conditions. ClinVar contains an entry for this variant (Variation ID: 1414378). Invitae Evidence Modeling of protein sequence and biophysical properties (such as structural, functional, and spatial information, amino acid conservation, physicochemical variation, residue mobility, and thermodynamic stability) has been performed for this missense variant. However, the output from this modeling did not meet the statistical confidence thresholds required to predict the impact of this variant on AXIN2 protein function. In summary, the available evidence is currently insufficient to determine the role of this variant in disease. Therefore, it has been classified as a Variant of Uncertain Significance.

Ambry Genetics
Classification: Uncertain significance for Hereditary cancer-predisposing syndrome. Last evaluated: 2024-05-31. Review status: criteria provided, single submitter. Criteria: Ambry Variant Classification Scheme 2023. Collection method: clinical testing. Allele origin: germline.
Comment: The p.T155I variant (also known as c.464C>T), located in coding exon 1 of the AXIN2 gene, results from a C to T substitution at nucleotide position 464. The threonine at codon 155 is replaced by isoleucine, an amino acid with similar properties. This amino acid position is conserved. In addition, the in silico prediction for this alteration is inconclusive. Based on the available evidence, the clinical significance of this variant remains unclear.